The following is an entry in ClinVar:

ClinVar aggregate classification (germline): Uncertain significance (1 of 4 stars; one submission).

Submission:

Labcorp Genetics (formerly Invitae), Labcorp
Classification: Uncertain significance. Last evaluated: 2023-06-27. Review status: criteria provided, single submitter. Criteria: Invitae Variant Classification Sherloc (09022015). Collection method: clinical testing. Allele origin: germline.
Comment: In summary, the available evidence is currently insufficient to determine the role of this variant in disease. Therefore, it has been classified as a Variant of Uncertain Significance. Advanced modeling of protein sequence and biophysical properties (such as structural, functional, and spatial information, amino acid conservation, physicochemical variation, residue mobility, and thermodynamic stability) performed at Invitae indicates that this missense variant is not expected to disrupt DNAH9 protein function. This variant has not been reported in the literature in individuals affected with DNAH9-related conditions. This variant is not present in population databases (gnomAD no frequency). This sequence change replaces asparagine, which is neutral and polar, with serine, which is neutral and polar, at codon 1568 of the DNAH9 protein (p.Asn1568Ser).

NM_001372.4(DNAH9):c.4703A>G (p.Asn1568Ser)

Gene: DNAH9 (dynein axonemal heavy chain 9; plus strand). Cytogenetic location: 17p12.
Variant type: single nucleotide variant.
Coding change: c.4703A>G on transcript NM_001372.4 (MANE Select); coding-DNA position 4703, A replaced by G.
Protein change: p.Asn1568Ser; replaces asparagine 1568 with serine.
Molecular consequence: missense variant.
Genome position (GRCh38, 1-based): chr17:11,693,956, A>G. VCF-style: chr17-11693956-A-G. GRCh37 (hg19) VCF-style: chr17-11597273-A-G.
Other names: short protein forms N1568S.
Identifiers: ClinVar variation 2787467 (VCV002787467.3), dbSNP rs201103065, ClinGen allele CA398188483.